The following is an entry in ClinVar:

ClinVar aggregate classification (germline): Pathogenic (1 of 4 stars; one submission).

Conditions:
Capillary malformation-arteriovenous malformation 2 (CMAVM2). Identifiers: Orphanet 693912, MedGen C4748670, MONDO:0020785, OMIM 618196.

Submission:

Broad Center for Mendelian Genomics, Broad Institute of MIT and Harvard
Classification: Pathogenic for Capillary malformation-arteriovenous malformation 2. Last evaluated: 2026-03-05. Review status: criteria provided, single submitter. Criteria: ACMG Guidelines, 2015. Collection method: research. Allele origin: germline. Inheritance: Autosomal dominant inheritance. Study: GREGoR Consortium.
Comment: The p.Val809CysfsX26 variant in EPHB4 was identified through WGS analysis in an adult with liver arteriovenous malformation, skin telangiectasias, and epistaxis by the Broad Institute Rare Genomes Project. It was absent from large population studies. This variant is predicted to cause a frameshift, which alters the protein's amino acid sequence beginning at position 809 and leads to a premature termination codon 26 amino acids downstream. This alteration is then predicted to lead to a truncated or absent protein. Loss of function of the EPHB4 gene is an established disease mechanism in autosomal dominant CM-AVM. In summary, this variant meets criteria to be classified as pathogenic for autosomal dominant CM-AVM. ACMG/AMP Criteria applied: PVS1, PS4_Supporting, PM2_Supporting.

NM_004444.5(EPHB4):c.2424_2425insA (p.Val809fs)

Genes: EPHB4 (EPH receptor B4; minus strand), LOC126860124 (CDK7 strongly-dependent group 2 enhancer GRCh37_chr7:100403701-100404900; plus strand). Cytogenetic location: 7q22.1.
Variant type: Insertion.
Coding change: c.2424_2425insA on transcript NM_004444.5 (MANE Select); coding-DNA positions 2424 to 2425, A inserted.
Protein change: p.Val809fs; shifts the reading frame from valine 809.
Molecular consequence: frameshift variant.
Genome position: GRCh38 VCF-style: chr7-100806479-C-CT. GRCh37 (hg19) VCF-style: chr7-100404101-C-CT.
Other names: NM_004444.5:c.2424_2425insA; short protein forms V809fs.
Identifiers: ClinVar variation 4819582 (VCV004819582.1).